The following is an entry in ClinVar:

ClinVar aggregate classification (germline): Pathogenic (1 of 4 stars; one submission).

Allele frequency attached by ClinVar (database versions not stated): gnomAD exomes below 0.00001; gnomAD 0.00001; TOPMed 0.00001.
gnomAD v4.1: 10 of 1,612,726 alleles (0.00062%); highest among the groups gnomAD compares: Non-Finnish European, 0.00085%; no homozygotes.

Submission:

Labcorp Genetics (formerly Invitae), Labcorp
Classification: Pathogenic. Last evaluated: 2024-04-12. Review status: criteria provided, single submitter. Criteria: Invitae Variant Classification Sherloc (09022015). Collection method: clinical testing. Allele origin: germline.
Comment: This sequence change creates a premature translational stop signal (p.Trp1047*) in the COL18A1 gene. It is expected to result in an absent or disrupted protein product. Loss-of-function variants in COL18A1 are known to be pathogenic (PMID: 12415512, 25456301). This variant is present in population databases (no rsID available, gnomAD 0.0009%). This premature translational stop signal has been observed in individual(s) with clinical features of Knobloch syndrome (PMID: 28602933). It has also been observed to segregate with disease in related individuals. This variant is also known as Trp1230*. ClinVar contains an entry for this variant (Variation ID: 1452820). For these reasons, this variant has been classified as Pathogenic.

Literature cited by the submitters: PubMed 12415512; PubMed 25456301; PubMed 28602933.

NM_001379500.1(COL18A1):c.3150G>A (p.Trp1050Ter)

Genes: COL18A1 (collagen type XVIII alpha 1 chain; plus strand), SLC19A1 (solute carrier family 19 member 1; minus strand). Cytogenetic location: 21q22.3.
Variant type: single nucleotide variant.
Coding change: c.3150G>A on transcript NM_001379500.1 (MANE Select); coding-DNA position 3150, G replaced by A.
Protein change: p.Trp1050Ter; replaces tryptophan 1050 with a stop codon.
Molecular consequence: nonsense.
Genome position (GRCh38, 1-based): chr21:45,505,900, G>A. VCF-style: chr21-45505900-G-A. GRCh37 (hg19) VCF-style: chr21-46925814-G-A.
Other names: c.3681G>A, p.Trp1227Ter (NM_030582.4); c.4386G>A, p.Trp1462Ter (NM_130444.3); short protein forms W1227*, W1050*, W1462*.
Identifiers: ClinVar variation 1452820 (VCV001452820.8), dbSNP rs1241419372, ClinGen allele CA410499949.